The following is an entry in ClinVar:

ClinVar aggregate classification (germline): Pathogenic. Review status: criteria provided, multiple submitters, no conflicts (2 of 4 stars). 4 submissions from 4 submitters: Pathogenic (2). 2 of the submissions do not count toward it. Last evaluated 2025-04-09.

Conditions:
Respiratory ciliopathies including non-CF bronchiectasis.
Primary ciliary dyskinesia. Also called: Ciliary dyskinesia. Identifiers: Orphanet 244, MedGen C0008780, MONDO:0016575, HP:0012265.
Primary ciliary dyskinesia 11. Also called: CILIARY DYSKINESIA, PRIMARY, 11, WITHOUT SITUS INVERSUS. Identifiers: Orphanet 244, MedGen C2675229, MONDO:0012978, OMIM 612649.

Allele frequency attached by ClinVar (database versions not stated): ExAC 0.00002; gnomAD exomes 0.00002.

Submissions (4):

NHS Central & South Genomic Laboratory Hub
Classification: Pathogenic for Respiratory ciliopathies including non-CF bronchiectasis. Last evaluated: 2025-04-09. Review status: criteria provided, single submitter. Criteria: ACMG Guidelines, 2015. Collection method: clinical testing. Allele origin: germline. Affected: yes.

Labcorp Genetics (formerly Invitae), Labcorp
Classification: Pathogenic for Primary ciliary dyskinesia. Last evaluated: 2019-11-19. Review status: criteria provided, single submitter. Criteria: Invitae Variant Classification Sherloc (09022015). Collection method: clinical testing. Allele origin: germline.
Comment: For these reasons, this variant has been classified as Pathogenic. Loss-of-function variants in RSPH4A are known to be pathogenic (PMID: 19200523). This variant has been observed to be homozygous in individuals affected with primary ciliary dyskinesia (PMID: 19200523). In all cases, it has been reported in cis with a second variant in RSPH4A, c.259C>T (p.Pro87Ser), although the clinical significance of this variant is unknown. ClinVar contains an entry for this variant (Variation ID: 503). This variant is present in population databases (rs118204041, ExAC 0.01%). This sequence change creates a premature translational stop signal (p.Gln154*) in the RSPH4A gene. It is expected to result in an absent or disrupted protein product.

OMIM
Classification: Pathogenic for CILIARY DYSKINESIA, PRIMARY, 11, WITHOUT SITUS INVERSUS. Last evaluated: 2009-02-01. Review status: no assertion criteria provided. Collection method: literature only. Allele origin: germline. Not counted in ClinVar's aggregate classification.

GeneReviews
No classification provided. Condition: Primary ciliary dyskinesia 11. Review status: no classification provided. Collection method: literature only. Allele origin: unknown. Not counted in ClinVar's aggregate classification.

Literature cited by the submitters: PubMed 19200523 (cited by 3 submitters); PubMed 20301301 (cited by GeneReviews); NCBI Bookshelf NBK1122 (cited by GeneReviews).

NM_001010892.3(RSPH4A):c.460C>T (p.Gln154Ter)

Gene: RSPH4A (radial spoke head component 4A; plus strand). Cytogenetic location: 6q22.1.
Variant type: single nucleotide variant.
Coding change: c.460C>T on transcript NM_001010892.3 (MANE Select); coding-DNA position 460, C replaced by T.
Protein change: p.Gln154Ter; replaces glutamine 154 with a stop codon.
Molecular consequence: nonsense.
Genome position (GRCh38, 1-based): chr6:116,617,083, C>T. VCF-style: chr6-116617083-C-T. GRCh37 (hg19) VCF-style: chr6-116938246-C-T.
Other names: c.460C>T, p.Gln154Ter (NM_001161664.2); short protein forms Q154*.
Identifiers: ClinVar variation 503 (VCV000000503.15), dbSNP rs118204041, ClinGen allele CA339817.